The following is an entry in ClinVar:

ClinVar aggregate classification (germline): Uncertain significance (1 of 4 stars; one submission).

Submission:

Labcorp Genetics (formerly Invitae), Labcorp
Classification: Uncertain significance. Last evaluated: 2021-07-17. Review status: criteria provided, single submitter. Criteria: Invitae Variant Classification Sherloc (09022015). Collection method: clinical testing. Allele origin: germline.
Comment: This sequence change replaces arginine with methionine at codon 189 of the CNGA3 protein (p.Arg189Met). The arginine residue is highly conserved and there is a moderate physicochemical difference between arginine and methionine. This variant also falls at the last nucleotide of exon 6, which is part of the consensus splice site for this exon. This variant is not present in population databases (ExAC no frequency). This variant has not been reported in the literature in individuals affected with CNGA3-related conditions. Algorithms developed to predict the effect of missense changes on protein structure and function (SIFT, PolyPhen-2, Align-GVGD) all suggest that this variant is likely to be disruptive. Nucleotide substitutions within the consensus splice site are a relatively common cause of aberrant splicing (PMID: 17576681, 9536098). Algorithms developed to predict the effect of sequence changes on RNA splicing suggest that this variant may disrupt the consensus splice site. In summary, the available evidence is currently insufficient to determine the role of this variant in disease. Therefore, it has been classified as a Variant of Uncertain Significance.

Literature cited by the submitters: PubMed 17576681; PubMed 9536098.

NM_001298.3(CNGA3):c.566G>T (p.Arg189Met)

Gene: CNGA3 (cyclic nucleotide gated channel subunit alpha 3; plus strand). Cytogenetic location: 2q11.2.
Variant type: single nucleotide variant.
Coding change: c.566G>T on transcript NM_001298.3 (MANE Select); coding-DNA position 566, G replaced by T.
Protein change: p.Arg189Met; replaces arginine 189 with methionine.
Molecular consequence: missense variant.
Genome position (GRCh38, 1-based): chr2:98,389,774, G>T. VCF-style: chr2-98389774-G-T. GRCh37 (hg19) VCF-style: chr2-99006237-G-T.
Other names: c.512G>T, p.Arg171Met (NM_001079878.2); short protein forms R189M, R171M.
Identifiers: ClinVar variation 1475995 (VCV001475995.3), dbSNP rs2104229996, ClinGen allele CA347831657.